The following is an entry in ClinVar:

ClinVar aggregate classification (germline): Uncertain significance. Review status: criteria provided, multiple submitters, no conflicts (2 of 4 stars). 2 submissions from 2 submitters: Uncertain significance (2). Last evaluated 2026-07-06.

Conditions:
Bloom syndrome (BLM). Also called: Bloom-Torre-Machacek syndrome. Identifiers: Orphanet 125, MedGen C0005859, MONDO:0008876, OMIM 210900.
Hereditary cancer-predisposing syndrome. Also called: Hereditary Cancer Syndrome; Hereditary neoplastic syndrome; Neoplastic Syndromes, Hereditary; Tumor predisposition. Identifiers: Orphanet 140162, MedGen C0027672, MeSH D009386, MONDO:0015356.

Submissions (2):

Ambry Genetics
Classification: Uncertain significance for Hereditary cancer-predisposing syndrome. Last evaluated: 2026-07-06. Review status: criteria provided, single submitter. Criteria: Ambry Variant Classification Scheme 2023. Collection method: clinical testing. Allele origin: germline.
Comment: The p.M814I variant (also known as c.2442G>A), located in coding exon 11 of the BLM gene, results from a G to A substitution at nucleotide position 2442. The methionine at codon 814 is replaced by isoleucine, an amino acid with highly similar properties. This amino acid position is conserved. In addition, this alteration is predicted to be tolerated by in silico analysis. Based on the available evidence, the clinical significance of this variant remains unclear.

Labcorp Genetics (formerly Invitae), Labcorp
Classification: Uncertain significance for Bloom syndrome. Last evaluated: 2025-06-01. Review status: criteria provided, single submitter. Criteria: Invitae Variant Classification Sherloc (09022015). Collection method: clinical testing. Allele origin: germline.
Comment: This sequence change replaces methionine, which is neutral and non-polar, with isoleucine, which is neutral and non-polar, at codon 814 of the BLM protein (p.Met814Ile). This variant is not present in population databases (gnomAD no frequency). This variant has not been reported in the literature in individuals affected with BLM-related conditions. Invitae Evidence Modeling of protein sequence and biophysical properties (such as structural, functional, and spatial information, amino acid conservation, physicochemical variation, residue mobility, and thermodynamic stability) indicates that this missense variant is not expected to disrupt BLM protein function with a negative predictive value of 80%. In summary, the available evidence is currently insufficient to determine the role of this variant in disease. Therefore, it has been classified as a Variant of Uncertain Significance.

NM_000057.4(BLM):c.2442G>A (p.Met814Ile)

Gene: BLM (BLM RecQ like helicase; plus strand). Cytogenetic location: 15q26.1.
Variant type: single nucleotide variant.
Coding change: c.2442G>A on transcript NM_000057.4 (MANE Select); coding-DNA position 2442, G replaced by A.
Protein change: p.Met814Ile; replaces methionine 814 with isoleucine.
Molecular consequence: missense variant.
Genome position (GRCh38, 1-based): chr15:90,769,473, G>A. VCF-style: chr15-90769473-G-A. GRCh37 (hg19) VCF-style: chr15-91312703-G-A.
Other names: c.2442G>A, p.Met814Ile (NM_001287246.2, NM_001287247.2); c.1317G>A, p.Met439Ile (NM_001287248.2); short protein forms M439I, M814I.
Identifiers: ClinVar variation 4742774 (VCV004742774.2).